The following is an entry in ClinVar:

ClinVar aggregate classification (germline): Uncertain significance (1 of 4 stars; one submission).

Allele frequency attached by ClinVar (database versions not stated): gnomAD 0.00001; ExAC 0.00002; gnomAD exomes 0.00001.
gnomAD v4.1: 8 of 1,613,530 alleles (0.0005%); highest among the groups gnomAD compares: Admixed American, 0.013%; no homozygotes.

Submission:

Labcorp Genetics (formerly Invitae), Labcorp
Classification: Uncertain significance. Last evaluated: 2025-07-31. Review status: criteria provided, single submitter. Criteria: Invitae Variant Classification Sherloc (09022015). Collection method: clinical testing. Allele origin: germline.
Comment: This sequence change replaces valine, which is neutral and non-polar, with methionine, which is neutral and non-polar, at codon 405 of the CFHR5 protein (p.Val405Met). This variant is present in population databases (rs765544022, gnomAD 0.02%). This variant has not been reported in the literature in individuals affected with CFHR5-related conditions. ClinVar contains an entry for this variant (Variation ID: 3008189). Invitae Evidence Modeling of protein sequence and biophysical properties (such as structural, functional, and spatial information, amino acid conservation, physicochemical variation, residue mobility, and thermodynamic stability) indicates that this missense variant is not expected to disrupt CFHR5 protein function with a negative predictive value of 80%. In summary, the available evidence is currently insufficient to determine the role of this variant in disease. Therefore, it has been classified as a Variant of Uncertain Significance.

NM_030787.4(CFHR5):c.1213G>A (p.Val405Met)

Gene: CFHR5 (complement factor H related 5; plus strand). Cytogenetic location: 1q31.3.
Variant type: single nucleotide variant.
Coding change: c.1213G>A on transcript NM_030787.4 (MANE Select); coding-DNA position 1213, G replaced by A.
Protein change: p.Val405Met; replaces valine 405 with methionine.
Molecular consequence: missense variant.
Genome position (GRCh38, 1-based): chr1:197,002,547, G>A. VCF-style: chr1-197002547-G-A. GRCh37 (hg19) VCF-style: chr1-196971677-G-A.
Other names: short protein forms V405M.
Identifiers: ClinVar variation 3008189 (VCV003008189.3), dbSNP rs765544022, ClinGen allele CA1308002.